The following is an entry in ClinVar:

NM_000051.4(ATM):c.8711A>T (p.Glu2904Val)

Genes: ATM (ATM serine/threonine kinase; plus strand), C11orf65 (chromosome 11 open reading frame 65; minus strand). Cytogenetic location: 11q22.3.
Variant type: single nucleotide variant.
Coding change: c.8711A>T on transcript NM_000051.4 (MANE Select); coding-DNA position 8711, A replaced by T.
Protein change: p.Glu2904Val; replaces glutamic acid 2904 with valine.
Molecular consequence: missense variant. On other transcripts: intron variant (2).
Genome position (GRCh38, 1-based): chr11:108,353,805, A>T. VCF-style: chr11-108353805-A-T. GRCh37 (hg19) VCF-style: chr11-108224532-A-T.
Other names: c.8711A>T, p.Glu2904Val (NM_001351834.2); c.640+32115T>A (NM_001330368.2); c.695-18513T>A (NM_001351110.2); short protein forms E2904V.
Identifiers: ClinVar variation 1764416 (VCV001764416.4), dbSNP rs786202826, ClinGen allele CA382523788.

ClinVar aggregate classification (germline): Uncertain significance. Review status: criteria provided, multiple submitters, no conflicts (2 of 4 stars). 2 submissions from 2 submitters: Uncertain significance (2). Last evaluated 2025-10-01.

Conditions:
Ataxia-telangiectasia syndrome (AT). Also called: Ataxia telangiectasia (A-T); LOUIS-BAR SYNDROME; Cerebello-oculocutaneous telangiectasia; Immunodeficiency with ataxia telangiectasia; Ataxia-telangiectasia, complementation group D; AT, COMPLEMENTATION GROUP C. Identifiers: Orphanet 100, MedGen C0004135, MONDO:0008840, OMIM 208900.
Hereditary cancer-predisposing syndrome. Also called: Hereditary neoplastic syndrome; Neoplastic Syndromes, Hereditary; Tumor predisposition; Hereditary Cancer Syndrome. Identifiers: Orphanet 140162, MedGen C0027672, MeSH D009386, MONDO:0015356.

gnomAD v4.1: 1 of 1,614,112 alleles (0.000062%); highest among the groups gnomAD compares: South Asian, 0.0011%; no homozygotes.

Submissions (2):

Labcorp Genetics (formerly Invitae), Labcorp
Classification: Uncertain significance for Ataxia-telangiectasia syndrome. Last evaluated: 2025-10-01. Review status: criteria provided, single submitter. Criteria: Invitae Variant Classification Sherloc (09022015). Collection method: clinical testing. Allele origin: germline.
Comment: This sequence change replaces glutamic acid, which is acidic and polar, with valine, which is neutral and non-polar, at codon 2904 of the ATM protein (p.Glu2904Val). This variant is present in population databases (no rsID available, gnomAD 0.003%). This variant has not been reported in the literature in individuals affected with ATM-related conditions. ClinVar contains an entry for this variant (Variation ID: 1764416). Invitae Evidence Modeling of protein sequence and biophysical properties (such as structural, functional, and spatial information, amino acid conservation, physicochemical variation, residue mobility, and thermodynamic stability) indicates that this missense variant is expected to disrupt ATM protein function with a positive predictive value of 95%. In summary, the available evidence is currently insufficient to determine the role of this variant in disease. Therefore, it has been classified as a Variant of Uncertain Significance.

Ambry Genetics
Classification: Uncertain significance for Hereditary cancer-predisposing syndrome. Last evaluated: 2022-07-21. Review status: criteria provided, single submitter. Criteria: Ambry Variant Classification Scheme 2023. Collection method: clinical testing. Allele origin: germline.
Comment: The p.E2904V variant (also known as c.8711A>T), located in coding exon 59 of the ATM gene, results from an A to T substitution at nucleotide position 8711. The glutamic acid at codon 2904 is replaced by valine, an amino acid with dissimilar properties. A similar alteration affecting this same amino acid, p.E2904G, has been reported in a homozygous state in an individual with ataxia-telangiectasia (Gilad S, Hum. Mol. Genet. 1996 Apr; 5(4):433-9). This amino acid position is highly conserved in available vertebrate species. In addition, p.E2904V is predicted to be deleterious by in silico analysis. Since supporting evidence is limited at this time, the clinical significance of this alteration remains unclear.